The following is an entry in ClinVar:

NM_000222.3(KIT):c.2485-16T>C

Gene: KIT (KIT proto-oncogene, receptor tyrosine kinase; plus strand). Cytogenetic location: 4q12.
Variant type: single nucleotide variant.
Coding change: c.2485-16T>C on transcript NM_000222.3 (MANE Select); 16 bases into the intron before coding-DNA position 2485, T replaced by C.
Molecular consequence: intron variant.
Genome position (GRCh38, 1-based): chr4:54,736,482, T>C. VCF-style: chr4-54736482-T-C. GRCh37 (hg19) VCF-style: chr4-55602648-T-C.
Other names: c.2488-16T>C (NM_001385284.1); c.2485-16T>C (NM_001385290.1); c.2476-16T>C (NM_001385288.1); c.2473-16T>C (NM_001385292.1, NM_001093772.2); c.2482-16T>C (NM_001385285.1); c.2470-16T>C (NM_001385286.1).
Identifiers: ClinVar variation 1566456 (VCV001566456.9), dbSNP rs1372741902, ClinGen allele CA551370131.

ClinVar aggregate classification (germline): Likely benign. Review status: criteria provided, multiple submitters, no conflicts (2 of 4 stars). 2 submissions from 2 submitters: Likely benign (2). Last evaluated 2026-06-01.

Conditions:
Gastrointestinal stromal tumor. Also called: Gastrointestinal stromal tumor, somatic; Gastrointestinal stroma tumor. Identifiers: Orphanet 44890, MedGen C0238198, MeSH D046152, MONDO:0011719, OMIM 606764, HP:0100723.

Allele frequency attached by ClinVar (database versions not stated): gnomAD exomes below 0.00001.
gnomAD v4.1: 3 of 1,543,460 alleles (0.00019%); highest among the groups gnomAD compares: East Asian, 0.0067%; no homozygotes.

Submissions (2):

Myriad Genetics, Inc.
Classification: Likely benign for Gastrointestinal stromal tumor. Last evaluated: 2026-06-01. Review status: criteria provided, single submitter. Criteria: Myriad Autosomal Dominant, Autosomal Recessive and X-Linked Classification Criteria (2023). Collection method: clinical testing. Allele origin: unknown.
Comment: This variant is considered likely benign. This variant is intronic and is not expected to impact mRNA splicing.

Labcorp Genetics (formerly Invitae), Labcorp
Classification: Likely benign for Gastrointestinal stromal tumor. Last evaluated: 2024-09-28. Review status: criteria provided, single submitter. Criteria: Invitae Variant Classification Sherloc (09022015). Collection method: clinical testing. Allele origin: germline.